The following is an entry in ClinVar:

ClinVar aggregate classification (germline): Uncertain significance. Review status: criteria provided, multiple submitters, no conflicts (2 of 4 stars). 2 submissions from 2 submitters: Uncertain significance (2). Last evaluated 2025-08-21.

Allele frequency attached by ClinVar (database versions not stated): gnomAD exomes below 0.00001; ExAC 0.00001; gnomAD 0.00001; TOPMed 0.00003.
gnomAD v4.1: 6 of 1,605,238 alleles (0.00037%); highest among the groups gnomAD compares: Admixed American, 0.0033%; no homozygotes.

Submissions (2):

Ambry Genetics
Classification: Uncertain significance. Last evaluated: 2025-08-21. Review status: criteria provided, single submitter. Criteria: Ambry Variant Classification Scheme 2023. Collection method: clinical testing. Allele origin: germline.

Labcorp Genetics (formerly Invitae), Labcorp
Classification: Uncertain significance. Last evaluated: 2022-03-04. Review status: criteria provided, single submitter. Criteria: Invitae Variant Classification Sherloc (09022015). Collection method: clinical testing. Allele origin: germline.
Comment: This sequence change replaces arginine, which is basic and polar, with histidine, which is basic and polar, at codon 28 of the NCKAP1L protein (p.Arg28His). This variant is present in population databases (rs769776941, gnomAD 0.003%). This variant has not been reported in the literature in individuals affected with NCKAP1L-related conditions. Algorithms developed to predict the effect of missense changes on protein structure and function (SIFT, PolyPhen-2, Align-GVGD) all suggest that this variant is likely to be disruptive. In summary, the available evidence is currently insufficient to determine the role of this variant in disease. Therefore, it has been classified as a Variant of Uncertain Significance.

NM_005337.5(NCKAP1L):c.83G>A (p.Arg28His)

Gene: NCKAP1L (NCK associated protein 1 like; plus strand). Cytogenetic location: 12q13.13.
Variant type: single nucleotide variant.
Coding change: c.83G>A on transcript NM_005337.5 (MANE Select); coding-DNA position 83, G replaced by A.
Protein change: p.Arg28His; replaces arginine 28 with histidine.
Molecular consequence: missense variant.
Genome position (GRCh38, 1-based): chr12:54,497,872, G>A. VCF-style: chr12-54497872-G-A. GRCh37 (hg19) VCF-style: chr12-54891656-G-A.
Other names: c.83G>A (NM_005337.4); short protein forms R28H.
Identifiers: ClinVar variation 2190862 (VCV002190862.2), dbSNP rs769776941, ClinGen allele CA6608697.
Genomic context (GRCh38, chr12:54,497,872, plus strand): 5'-AGCATAAATTAGCAGAGAAGCTCACTATCCTGAATGATCGCGGTCAGGGGGTTCTCATCC[G>A]TATGTATAACATCAAGAAGGTAAGCATGAACAATGGGACTAGTACTGATTATTCCAACAA-3'
Protein context (NP_005328.2, residues 18-38): LNDRGQGVLI[Arg28His]MYNIKKTCSD